The following is an entry in ClinVar:

ClinVar aggregate classification (germline): Uncertain significance (1 of 4 stars; one submission).

Submission:

Ambry Genetics
Classification: Uncertain significance. Last evaluated: 2026-07-16. Review status: criteria provided, single submitter. Criteria: Ambry Variant Classification Scheme 2023. Collection method: clinical testing. Allele origin: germline.
Comment: The p.A1300S variant (also known as c.3898G>T), located in coding exon 14 of the CDK12 gene, results from a G to T substitution at nucleotide position 3898. The alanine at codon 1300 is replaced by serine, an amino acid with similar properties. This amino acid position is conserved. In addition, the in silico prediction for this alteration is inconclusive. Based on the available evidence, the clinical significance of this variant remains unclear.

NM_016507.4(CDK12):c.3898G>T (p.Ala1300Ser)

Gene: CDK12 (cyclin dependent kinase 12; plus strand). Cytogenetic location: 17q12.
Variant type: single nucleotide variant.
Coding change: c.3898G>T on transcript NM_016507.4 (MANE Select); coding-DNA position 3898, G replaced by T.
Protein change: p.Ala1300Ser; replaces alanine 1300 with serine.
Molecular consequence: missense variant.
Genome position (GRCh38, 1-based): chr17:39,530,741, G>T. VCF-style: chr17-39530741-G-T. GRCh37 (hg19) VCF-style: chr17-37686994-G-T.
Other names: c.3871G>T, p.Ala1291Ser (NM_015083.4); short protein forms A1300S, A1291S.
Identifiers: ClinVar variation 5034100 (VCV005034100.1).